The following is an entry in ClinVar:

NM_000038.6(APC):c.7933T>A (p.Tyr2645Asn)

Gene: APC (APC regulator of Wnt signaling pathway; plus strand). Cytogenetic location: 5q22.2.
Variant type: single nucleotide variant.
Coding change: c.7933T>A on transcript NM_000038.6 (MANE Select); coding-DNA position 7933, T replaced by A.
Protein change: p.Tyr2645Asn; replaces tyrosine 2645 with asparagine.
Molecular consequence: missense variant.
Genome position (GRCh38, 1-based): chr5:112,843,527, T>A. VCF-style: chr5-112843527-T-A. GRCh37 (hg19) VCF-style: chr5-112179224-T-A.
Other names: c.7849T>A, p.Tyr2617Asn (NM_001354899.2); c.7756T>A, p.Tyr2586Asn (NM_001354901.2); c.7660T>A, p.Tyr2554Asn (NM_001354902.2); c.7810T>A, p.Tyr2604Asn (NM_001354900.2); c.7555T>A, p.Tyr2519Asn (NM_001354904.2); c.7453T>A, p.Tyr2485Asn (NM_001354905.2); c.7084T>A, p.Tyr2362Asn (NM_001354906.2); c.7630T>A, p.Tyr2544Asn (NM_001354903.2); and 5 more; short protein forms Y2627N, Y2645N, Y2655N, Y2362N, Y2485N, Y2554N, Y2586N, Y2604N.
Identifiers: ClinVar variation 428169 (VCV000428169.6), dbSNP rs1114167605, ClinGen allele CA16038555.

ClinVar aggregate classification (germline): Uncertain significance (1 of 4 stars; one submission).

Conditions:
Hereditary cancer-predisposing syndrome. Also called: Hereditary Cancer Syndrome; Neoplastic Syndromes, Hereditary; Hereditary neoplastic syndrome; Tumor predisposition. Identifiers: Orphanet 140162, MedGen C0027672, MeSH D009386, MONDO:0015356.

Allele frequency attached by ClinVar (database versions not stated): gnomAD exomes below 0.00001.
gnomAD v4.1: 2 of 1,613,802 alleles (0.00012%); highest among the groups gnomAD compares: Non-Finnish European, 0.000085%; no homozygotes.

Submission:

Ambry Genetics
Classification: Uncertain significance for Hereditary cancer-predisposing syndrome. Last evaluated: 2022-11-30. Review status: criteria provided, single submitter. Criteria: Ambry Variant Classification Scheme 2023. Collection method: clinical testing. Allele origin: germline.
Comment: The p.Y2645N variant (also known as c.7933T>A), located in coding exon 15 of the APC gene, results from a T to A substitution at nucleotide position 7933. The tyrosine at codon 2645 is replaced by asparagine, an amino acid with dissimilar properties. This amino acid position is well conserved in available vertebrate species. In addition, in silico predictors for this gene do not accurately predict pathogenicity. Since supporting evidence is limited at this time, the clinical significance of this alteration remains unclear.